The following is an entry in ClinVar:

ClinVar aggregate classification (germline): Uncertain significance (1 of 4 stars; one submission).

Submission:

Labcorp Genetics (formerly Invitae), Labcorp
Classification: Uncertain significance. Last evaluated: 2024-01-19. Review status: criteria provided, single submitter. Criteria: Invitae Variant Classification Sherloc (09022015). Collection method: clinical testing. Allele origin: germline.
Comment: This sequence change replaces asparagine, which is neutral and polar, with histidine, which is basic and polar, at codon 289 of the HNF1B protein (p.Asn289His). This variant is not present in population databases (gnomAD no frequency). This missense change has been observed in individual(s) with autosomal dominant tubulointerstitial kidney disease, chronic kidney disease, and/or clinical features of renal cysts and diabetes syndrome (PMID: 30937553, 33851123). ClinVar contains an entry for this variant (Variation ID: 2169592). Advanced modeling of protein sequence and biophysical properties (such as structural, functional, and spatial information, amino acid conservation, physicochemical variation, residue mobility, and thermodynamic stability) has been performed at Invitae for this missense variant, however the output from this modeling did not meet the statistical confidence thresholds required to predict the impact of this variant on HNF1B protein function. This variant disrupts the p.Asn289 amino acid residue in HNF1B. Other variant(s) that disrupt this residue have been observed in individuals with HNF1B-related conditions (PMID: 33851123, 36777702), which suggests that this may be a clinically significant amino acid residue. In summary, the available evidence is currently insufficient to determine the role of this variant in disease. Therefore, it has been classified as a Variant of Uncertain Significance.

Literature cited by the submitters: PubMed 30937553; PubMed 33851123; PubMed 36777702.

NM_000458.4(HNF1B):c.865A>C (p.Asn289His)

Gene: HNF1B (HNF1 homeobox B; minus strand). Cytogenetic location: 17q12.
Variant type: single nucleotide variant.
Coding change: c.865A>C on transcript NM_000458.4 (MANE Select); coding-DNA position 865, A replaced by C.
Protein change: p.Asn289His; replaces asparagine 289 with histidine.
Molecular consequence: missense variant.
Genome position (GRCh38, 1-based): chr17:37,731,775, T>G on the plus strand (A>C on the coding strand, the complement: HNF1B is on the minus strand). VCF-style: chr17-37731775-T-G. GRCh37 (hg19) VCF-style: chr17-36091766-T-G.
Other names: c.787A>C, p.Asn263His (NM_001165923.4, NM_001304286.2); c.865A>C, p.Asn289His (NM_001411100.1); short protein forms N289H, N263H.
Identifiers: ClinVar variation 2169592 (VCV002169592.4), dbSNP rs2511801868, ClinGen allele CA398746929.